The following is an entry in ClinVar:

NM_021076.4(NEFH):c.566C>T (p.Ala189Val)

Gene: NEFH (neurofilament heavy chain; plus strand). Cytogenetic location: 22q12.2.
Variant type: single nucleotide variant.
Coding change: c.566C>T on transcript NM_021076.4 (MANE Select); coding-DNA position 566, C replaced by T.
Protein change: p.Ala189Val; replaces alanine 189 with valine.
Molecular consequence: missense variant.
Genome position (GRCh38, 1-based): chr22:29,480,828, C>T. VCF-style: chr22-29480828-C-T. GRCh37 (hg19) VCF-style: chr22-29876817-C-T.
Other names: short protein forms A189V.
Identifiers: ClinVar variation 1908668 (VCV001908668.7), dbSNP rs1443524948, ClinGen allele CA411123196.

ClinVar aggregate classification (germline): Uncertain significance. Review status: criteria provided, multiple submitters, no conflicts (2 of 4 stars). 3 submissions from 3 submitters: Uncertain significance (3). Last evaluated 2026-01-27.

Conditions:
NEFH-related disorder. Also called: NEFH-related condition.
Inborn genetic diseases. Identifiers: MedGen C0950123, MeSH D030342.

Allele frequency attached by ClinVar (database versions not stated): TOPMed below 0.00001; gnomAD 0.00001.

Submissions (3):

PreventionGenetics, part of Exact Sciences
Classification: Uncertain significance for NEFH-related condition. Last evaluated: 2026-01-27. Review status: criteria provided, single submitter. Criteria: ACMG Guidelines, 2015. Collection method: clinical testing. Allele origin: germline.
Comment: The NEFH c.566C>T variant is predicted to result in the amino acid substitution p.Ala189Val. To our knowledge, this variant has not been reported in the literature or in a large population database (gnomAD), indicating this variant is rare. At this time, the clinical significance of this variant is uncertain due to the absence of conclusive functional and genetic evidence.

Labcorp Genetics (formerly Invitae), Labcorp
Classification: Uncertain significance. Last evaluated: 2025-01-23. Review status: criteria provided, single submitter. Criteria: Invitae Variant Classification Sherloc (09022015). Collection method: clinical testing. Allele origin: germline.
Comment: This sequence change replaces alanine, which is neutral and non-polar, with valine, which is neutral and non-polar, at codon 189 of the NEFH protein (p.Ala189Val). This variant is not present in population databases (gnomAD no frequency). This variant has not been reported in the literature in individuals affected with NEFH-related conditions. ClinVar contains an entry for this variant (Variation ID: 1908668). Invitae Evidence Modeling of protein sequence and biophysical properties (such as structural, functional, and spatial information, amino acid conservation, physicochemical variation, residue mobility, and thermodynamic stability) indicates that this missense variant is not expected to disrupt NEFH protein function with a negative predictive value of 95%. In summary, the available evidence is currently insufficient to determine the role of this variant in disease. Therefore, it has been classified as a Variant of Uncertain Significance.

Ambry Genetics
Classification: Uncertain significance for Inborn genetic diseases. Last evaluated: 2022-12-21. Review status: criteria provided, single submitter. Criteria: Ambry Variant Classification Scheme 2023. Collection method: clinical testing. Allele origin: germline.